The following is an entry in ClinVar:

ClinVar aggregate classification (germline): Conflicting classifications of pathogenicity. Review status: criteria provided, conflicting classifications (1 of 4 stars). 4 submissions from 4 submitters: Uncertain significance (3); Likely benign (1). Last evaluated 2023-03-23.

Conditions:
Wilms tumor 1 (WT1). Also called: Wilms tumor, somatic. Identifiers: Orphanet 654, MedGen CN033288, MONDO:0008679, OMIM 194070.
Pancreatic cancer, susceptibility to, 2. Identifiers: Orphanet 1333, MedGen C3150546, MONDO:0013235, OMIM 613347.
Glioma susceptibility 3 (GLM3). Also called: Glioblastoma 3. Identifiers: Orphanet 182067, Orphanet 360, MedGen C2751641, MONDO:0013093, OMIM 613029.
Familial cancer of breast. Also called: BREAST CANCER, FAMILIAL; hereditary breast carcinoma; Hereditary breast cancer. Identifiers: Orphanet 227535, MedGen C0346153, MONDO:0016419, OMIM 114480. Disease mechanism: loss of function.
Breast-ovarian cancer, familial, susceptibility to, 2 (BROVCA2). Also called: BRCA2 Hereditary Breast and Ovarian Cancer. Identifiers: Orphanet 145, MedGen C2675520, MONDO:0012933, OMIM 612555. Disease mechanism: loss of function.
Fanconi anemia complementation group D1. Also called: BRCA2-Related Fanconi Anemia. Identifiers: Orphanet 319462, MedGen C1838457, MONDO:0011584, OMIM 605724.
Prostate cancer. Also called: Malignant tumor of prostate. Identifiers: Orphanet 1331, MedGen C0376358, MONDO:0008315, HP:0012125.
Medulloblastoma (MDB). Also called: Medulloblastoma, somatic; MEDULLOBLASTOMA PREDISPOSITION SYNDROME. Identifiers: Orphanet 616, MedGen C0025149, MeSH D008527, MONDO:0007959, OMIM 155255, HP:0002885.
Hereditary breast ovarian cancer syndrome. Also called: Hereditary breast and ovarian cancer syndrome; Hereditary breast and ovarian cancer syndrome (HBOC); BRCA1- and BRCA2-Associated Hereditary Breast and Ovarian Cancer; Hereditary breast and ovarian cancer; Breast and ovarian cancer; Hereditary breast and/or ovarian cancer syndrome. Identifiers: Orphanet 145, MedGen C0677776, MeSH D061325, MONDO:0003582. Disease mechanism: loss of function.
Hereditary cancer-predisposing syndrome. Also called: Neoplastic Syndromes, Hereditary; Hereditary neoplastic syndrome; Tumor predisposition; Hereditary Cancer Syndrome. Identifiers: Orphanet 140162, MedGen C0027672, MeSH D009386, MONDO:0015356.

Allele frequency attached by ClinVar (database versions not stated): TOPMed below 0.00001; gnomAD exomes below 0.00001.
gnomAD v4.1: 2 of 1,613,834 alleles (0.00012%); highest among the groups gnomAD compares: Non-Finnish European, 0.00017%; no homozygotes.

Submissions (4):

University of Washington Department of Laboratory Medicine, University of Washington
Classification: Likely benign for Hereditary cancer-predisposing syndrome. Last evaluated: 2023-03-23. Review status: criteria provided, single submitter. Criteria: Dines et al. (Genet Med. 2020). Collection method: curation. Allele origin: germline.
Comment: Missense variant in a coldspot region where missense variants are very unlikely to be pathogenic (PMID:31911673).

BRCA2 exon 11 coldspot. Reclassification based on statistical prior probability.

Fulgent Genetics
Classification: Uncertain significance for Familial cancer of breast; Medulloblastoma; Familial prostate cancer; Wilms tumor 1; Fanconi anemia complementation group D1; Breast-ovarian cancer, familial, susceptibility to, 2; Glioma susceptibility 3; Pancreatic cancer, susceptibility to, 2. Last evaluated: 2021-08-24. Review status: criteria provided, single submitter. Criteria: ACMG Guidelines, 2015. Collection method: clinical testing. Allele origin: unknown.

Ambry Genetics
Classification: Uncertain significance for Hereditary cancer-predisposing syndrome. Last evaluated: 2019-05-16. Review status: criteria provided, single submitter. Criteria: Ambry Variant Classification Scheme 2023. Collection method: clinical testing. Allele origin: germline.
Comment: The p.G1007V variant (also known as c.3020G>T), located in coding exon 10 of the BRCA2 gene, results from a G to T substitution at nucleotide position 3020. The glycine at codon 1007 is replaced by valine, an amino acid with dissimilar properties. This amino acid position is not well conserved in available vertebrate species. In addition, the in silico prediction for this alteration is inconclusive. Since supporting evidence is limited at this time, the clinical significance of this alteration remains unclear.

Labcorp Genetics (formerly Invitae), Labcorp
Classification: Uncertain significance for Hereditary breast ovarian cancer syndrome. Last evaluated: 2018-04-05. Review status: criteria provided, single submitter. Criteria: Invitae Variant Classification Sherloc (09022015). Collection method: clinical testing. Allele origin: germline.
Comment: In summary, the available evidence is currently insufficient to determine the role of this variant in disease. Therefore, it has been classified as a Variant of Uncertain Significance. Algorithms developed to predict the effect of missense changes on protein structure and function (SIFT, PolyPhen-2, Align-GVGD) all suggest that this variant is likely to be tolerated, but these predictions have not been confirmed by published functional studies and their clinical significance is uncertain. This variant has not been reported in the literature in individuals with BRCA2-related disease. This variant is not present in population databases (ExAC no frequency). This sequence change replaces glycine with valine at codon 1007 of the BRCA2 protein (p.Gly1007Val). The glycine residue is weakly conserved and there is a moderate physicochemical difference between glycine and valine.

NM_000059.4(BRCA2):c.3020G>T (p.Gly1007Val)

Gene: BRCA2 (BRCA2 DNA repair associated; plus strand). Cytogenetic location: 13q13.1.
Variant type: single nucleotide variant.
Coding change: c.3020G>T on transcript NM_000059.4 (MANE Select); coding-DNA position 3020, G replaced by T.
Protein change: p.Gly1007Val; replaces glycine 1007 with valine.
Molecular consequence: missense variant.
Genome position (GRCh38, 1-based): chr13:32,337,375, G>T. VCF-style: chr13-32337375-G-T. GRCh37 (hg19) VCF-style: chr13-32911512-G-T.
Other names: short protein forms G1007V.
Identifiers: ClinVar variation 570422 (VCV000570422.15), dbSNP rs1566227648, ClinGen allele CA387774833.